The following is an entry in ClinVar:

ClinVar aggregate classification (germline): Uncertain significance (1 of 4 stars; one submission).

gnomAD v4.1: 13 of 1,613,778 alleles (0.00081%); highest among the groups gnomAD compares: African/African-American, 0.0067%; no homozygotes.

Submission:

GeneDx
Classification: Uncertain significance. Last evaluated: 2025-03-12. Review status: criteria provided, single submitter. Criteria: GeneDx Variant Classification Process June 2021. Collection method: clinical testing. Allele origin: germline. Affected: yes.
Comment: Not observed at significant frequency in large population cohorts (gnomAD); In silico analysis indicates that this missense variant does not alter protein structure/function; Has not been previously published as pathogenic or benign to our knowledge

NM_015340.4(LARS2):c.131C>T (p.Thr44Met)

Gene: LARS2 (leucyl-tRNA synthetase 2, mitochondrial; plus strand). Cytogenetic location: 3p21.31.
Variant type: single nucleotide variant.
Coding change: c.131C>T on transcript NM_015340.4 (MANE Select); coding-DNA position 131, C replaced by T.
Protein change: p.Thr44Met; replaces threonine 44 with methionine.
Molecular consequence: missense variant.
Genome position (GRCh38, 1-based): chr3:45,394,584, C>T. VCF-style: chr3-45394584-C-T. GRCh37 (hg19) VCF-style: chr3-45436076-C-T.
Other names: c.131C>T, p.Thr44Met (NM_001368263.1); short protein forms T44M.
Identifiers: ClinVar variation 4083196 (VCV004083196.1).